The following is an entry in ClinVar:

NM_001371533.1(FUT8):c.1072C>G (p.Pro358Ala)

Gene: FUT8 (fucosyltransferase 8; plus strand). Cytogenetic location: 14q23.3.
Variant type: single nucleotide variant.
Coding change: c.1072C>G on transcript NM_001371533.1 (MANE Select); coding-DNA position 1072, C replaced by G.
Protein change: p.Pro358Ala; replaces proline 358 with alanine.
Molecular consequence: missense variant.
Genome position (GRCh38, 1-based): chr14:65,722,011, C>G. VCF-style: chr14-65722011-C-G. GRCh37 (hg19) VCF-style: chr14-66188729-C-G.
Other names: c.1072C>G, p.Pro358Ala (NM_178155.3, NM_178156.2, NM_001371534.1); c.1174C>G, p.Pro392Ala (NM_001371536.1); c.583C>G, p.Pro195Ala (NM_004480.4); short protein forms P358A, P195A, P392A.
Identifiers: ClinVar variation 2852546 (VCV002852546.3), dbSNP rs2503436687, ClinGen allele CA390246013.
Genomic context (GRCh38, chr14:65,722,011, plus strand): 5'-CCACAGCCTTGGCTAGAAAAAGAAATAGAAGAAGCCACCAAGAAGCTTGGCTTCAAACAT[C>G]CAGTTATTGGGTAAGAATCTGATTTTTTCCCTCAAACTGTGATATGTAGTAGTTAGGGTT-3'
Protein context (NP_001358462.1, residues 348-368): EATKKLGFKH[Pro358Ala]VIGVHVRRTD

ClinVar aggregate classification (germline): Uncertain significance (1 of 4 stars; one submission).

Submission:

Labcorp Genetics (formerly Invitae), Labcorp
Classification: Uncertain significance. Last evaluated: 2023-07-13. Review status: criteria provided, single submitter. Criteria: Invitae Variant Classification Sherloc (09022015). Collection method: clinical testing. Allele origin: germline.
Comment: In summary, the available evidence is currently insufficient to determine the role of this variant in disease. Therefore, it has been classified as a Variant of Uncertain Significance. Advanced modeling of protein sequence and biophysical properties (such as structural, functional, and spatial information, amino acid conservation, physicochemical variation, residue mobility, and thermodynamic stability) performed at Invitae indicates that this missense variant is expected to disrupt FUT8 protein function. This variant has not been reported in the literature in individuals affected with FUT8-related conditions. This variant is not present in population databases (gnomAD no frequency). This sequence change replaces proline, which is neutral and non-polar, with alanine, which is neutral and non-polar, at codon 358 of the FUT8 protein (p.Pro358Ala).